The following is an entry in ClinVar:

NM_177438.3(DICER1):c.1816G>A (p.Asp606Asn)

Gene: DICER1 (dicer 1, ribonuclease III; minus strand). Cytogenetic location: 14q32.13.
Variant type: single nucleotide variant.
Coding change: c.1816G>A on transcript NM_177438.3 (MANE Select); coding-DNA position 1816, G replaced by A.
Protein change: p.Asp606Asn; replaces aspartic acid 606 with asparagine.
Molecular consequence: missense variant.
Genome position (GRCh38, 1-based): chr14:95,115,758, C>T on the plus strand (G>A on the coding strand, the complement: DICER1 is on the minus strand). VCF-style: chr14-95115758-C-T. GRCh37 (hg19) VCF-style: chr14-95582095-C-T.
Other names: c.1816G>A, p.Asp606Asn (NM_001195573.1, NM_001271282.3, NM_001291628.2 and 1 more transcripts); short protein forms D606N.
Identifiers: ClinVar variation 836226 (VCV000836226.8), dbSNP rs1892389194, ClinGen allele CA390884070.
Genomic context (GRCh38, chr14:95,115,758, plus strand): 5'-TGACTCGTGGACCACCATCGTCAGGCCTCAACACATATGGTGGGAAAACGTCATCATCAT[C>T]CATGACAGGATCAATGTCAGTCTCACCAGTATCAACCGACTTGGAACACTTGTTTCTCAA-3'
Protein context (NP_803187.1, residues 596-616): TGETDIDPVM[Asp606Asn]DDDVFPPYVL

ClinVar aggregate classification (germline): Conflicting classifications of pathogenicity. Review status: criteria provided, conflicting classifications (1 of 4 stars). 2 submissions from 2 submitters: Uncertain significance (1); Likely benign (1). Last evaluated 2025-08-18.

Conditions:
DICER1-related tumor predisposition. Also called: DICER1-related pleuropulmonary blastoma cancer predisposition syndrome; DICER1 syndrome. Identifiers: Orphanet 284343, MedGen C3839822, MONDO:0100216.
Hereditary cancer-predisposing syndrome. Also called: Neoplastic Syndromes, Hereditary; Hereditary neoplastic syndrome; Tumor predisposition; Hereditary Cancer Syndrome. Identifiers: Orphanet 140162, MedGen C0027672, MeSH D009386, MONDO:0015356.

Submissions (2):

Labcorp Genetics (formerly Invitae), Labcorp
Classification: Uncertain significance for DICER1-related tumor predisposition. Last evaluated: 2025-08-18. Review status: criteria provided, single submitter. Criteria: Invitae Variant Classification Sherloc (09022015). Collection method: clinical testing. Allele origin: germline.
Comment: This sequence change replaces aspartic acid, which is acidic and polar, with asparagine, which is neutral and polar, at codon 606 of the DICER1 protein (p.Asp606Asn). This variant is not present in population databases (gnomAD no frequency). This variant has not been reported in the literature in individuals affected with DICER1-related conditions. ClinVar contains an entry for this variant (Variation ID: 836226). Invitae Evidence Modeling of protein sequence and biophysical properties (such as structural, functional, and spatial information, amino acid conservation, physicochemical variation, residue mobility, and thermodynamic stability) indicates that this missense variant is not expected to disrupt DICER1 protein function with a negative predictive value of 95%. In summary, the available evidence is currently insufficient to determine the role of this variant in disease. Therefore, it has been classified as a Variant of Uncertain Significance.

Ambry Genetics
Classification: Likely benign for Hereditary cancer-predisposing syndrome. Last evaluated: 2024-07-23. Review status: criteria provided, single submitter. Criteria: Ambry Variant Classification Scheme 2023. Collection method: clinical testing. Allele origin: germline.